The following is an entry in ClinVar:

ClinVar aggregate classification (germline): Uncertain significance. Review status: criteria provided, multiple submitters, no conflicts (2 of 4 stars). 2 submissions from 2 submitters: Uncertain significance (2). Last evaluated 2025-12-29.

Conditions:
Amyotrophic lateral sclerosis type 6. Also called: FUS-Related Amyotrophic Laterial Sclerosis; AMYOTROPHIC LATERAL SCLEROSIS 6 WITHOUT FRONTOTEMPORAL DEMENTIA; Amyotrophic lateral sclerosis 6, with or without frontotemporal dementia. Identifiers: Orphanet 275872, Orphanet 803, MedGen C2931786, MONDO:0011951, OMIM 608030.
Tremor, hereditary essential, 4 (ETM4). Identifiers: MedGen C3539195, MONDO:0013888, OMIM 614782.

Submissions (2):

Labcorp Genetics (formerly Invitae), Labcorp
Classification: Uncertain significance for Tremor, hereditary essential, 4; Amyotrophic lateral sclerosis type 6. Last evaluated: 2025-12-29. Review status: criteria provided, single submitter. Criteria: Invitae Variant Classification Sherloc (09022015). Collection method: clinical testing. Allele origin: germline.
Comment: This variant, c.492_494del, results in the deletion of 1 amino acid(s) of the FUS protein (p.Ser165del), but otherwise preserves the integrity of the reading frame. This variant is present in population databases (rs769208948, gnomAD 0.002%). This variant has not been reported in the literature in individuals affected with FUS-related conditions. This variant disrupts a region of the FUS protein in which other variant(s) (p.Ser165Gly) have been observed in individuals with FUS-related conditions (internal data). This suggests that this is a clinically significant region of the protein, and that variants that disrupt it are likely to be disease-causing. In summary, the available evidence is currently insufficient to determine the role of this variant in disease. Therefore, it has been classified as a Variant of Uncertain Significance.

MGZ Medical Genetics Center
Classification: Uncertain significance for Tremor, hereditary essential, 4. Last evaluated: 2022-03-21. Review status: criteria provided, single submitter. Criteria: ACMG Guidelines, 2015. Collection method: clinical testing. Allele origin: germline. Affected: yes. Observed: 1 variant allele.
Comment: ACMG criteria applied: PM2_SUP, BP3

NM_004960.4(FUS):c.486CAG[2] (p.Ser165del)

Gene: FUS (FUS RNA binding protein; plus strand). Cytogenetic location: 16p11.2.
Variant type: Microsatellite.
Coding change: c.486CAG[2] on transcript NM_004960.4 (MANE Select); two copies in a row of the 3-base unit CAG starting at c.486; the reference has three copies in a row; one copy, 3 bases deleted; also written c.492_494del.
Protein change: p.Ser165del; deletes serine 165.
Molecular consequence: inframe deletion. On other transcripts: non-coding transcript variant (1).
Genome position (GRCh38, 1-based): chr16:31,184,365-31,184,367, CAG deleted; deleting any 3 consecutive bases within chr16:31,184,359-31,184,367 gives the same sequence; the position shown is the placement nearest the transcript's 3' end. VCF-style (leftmost placement, unchanged base first): chr16-31184358-ACAG-A. GRCh37 (hg19) VCF-style: chr16-31195679-ACAG-A.
Other names: c.483CAG[2], p.Ser164del (NM_001170634.1); c.486CAG[2], p.Ser165del (NM_001170937.1); c.492_494del (NM_004960.4); short protein forms S164del, S165del.
Identifiers: ClinVar variation 1709623 (VCV001709623.3), dbSNP rs769208948, ClinGen allele CA8023631.
Genomic context (GRCh38, chr16:31,184,358, plus strand): 5'-GCTATGGACAGCAGCAAAGCTATAATCCCCCTCAGGGCTATGGACAGCAGAACCAGTACA[ACAG>A]CAGCAGTGGTGGTGGAGGTGGAGGTGGAGGTGGAGGTGAGATGTCTTCAGCTTTGTCTGC-3'